The following is an entry in ClinVar:

ClinVar aggregate classification (germline): Benign/Likely benign. Review status: criteria provided, multiple submitters, no conflicts (2 of 4 stars). 6 submissions from 6 submitters: Benign (4); Likely benign (2). Last evaluated 2026-02-04.

Allele frequency attached by ClinVar (database versions not stated): 1000 Genomes Project 0.03335; 1000 Genomes Project 30x 0.03404; gnomAD exomes 0.04209 and 0.04599; ExAC 0.04397; TOPMed 0.04452; gnomAD 0.04586 and 0.04743; ESP Exome Variant Server 0.04836.

Submissions (6):

Labcorp Genetics (formerly Invitae), Labcorp
Classification: Benign. Last evaluated: 2026-02-04. Review status: criteria provided, single submitter. Criteria: Invitae Variant Classification Sherloc (09022015). Collection method: clinical testing. Allele origin: germline.

Women's Health and Genetics/Laboratory Corporation of America, LabCorp
Classification: Likely benign. Last evaluated: 2026-01-21. Review status: criteria provided, single submitter. Criteria: LabCorp Variant Classification Summary - May 2015. Collection method: clinical testing. Allele origin: germline.

Blueprint Genetics
Classification: Likely benign. Last evaluated: 2024-11-26. Review status: criteria provided, single submitter. Criteria: ACMG Guidelines, 2015. Collection method: clinical testing. Allele origin: germline.

Mayo Clinic Laboratories, Mayo Clinic
Classification: Benign. Last evaluated: 2023-08-11. Review status: criteria provided, single submitter. Criteria: ACMG Guidelines, 2015. Collection method: clinical testing. Allele origin: germline. Observed: 36 variant alleles.
Comment: BA1, BP4

GeneDx
Classification: Benign. Last evaluated: 2020-04-29. Review status: criteria provided, single submitter. Criteria: GeneDx Variant Classification Process June 2021. Collection method: clinical testing. Allele origin: germline. Affected: yes.
Comment: This variant is associated with the following publications: (PMID: 21946017)

Breakthrough Genomics
Classification: Benign. Review status: criteria provided, single submitter. Criteria: ACMG Guidelines, 2015. Collection method: not provided. Allele origin: germline. Inheritance: Autosomal recessive inheritance. Affected: yes.

Literature cited by the submitters: PubMed 21946017 (cited by Mayo Clinic Laboratories, Mayo Clinic).

NM_033004.4(NLRP1):c.737C>G (p.Thr246Ser)

Gene: NLRP1 (NLR family pyrin domain containing 1; minus strand). Cytogenetic location: 17p13.2.
Variant type: single nucleotide variant.
Coding change: c.737C>G on transcript NM_033004.4 (MANE Select); coding-DNA position 737, C replaced by G.
Protein change: p.Thr246Ser; replaces threonine 246 with serine.
Molecular consequence: missense variant.
Genome position (GRCh38, 1-based): chr17:5,559,959, G>C on the plus strand (C>G on the coding strand, the complement: NLRP1 is on the minus strand). VCF-style: chr17-5559959-G-C. GRCh37 (hg19) VCF-style: chr17-5463279-G-C.
Other names: p.Thr246Ser; c.737C>G, p.Thr246Ser (NM_001033053.3, NM_014922.5, NM_033006.4 and 1 more transcripts); short protein forms T246S.
Identifiers: ClinVar variation 1165410 (VCV001165410.14), dbSNP rs11651595, ClinGen allele CA8327494.
Genomic context (GRCh38, chr17:5,559,959, plus strand): 5'-GTGGAACAGAGGCTCTCTCTCACAGAAGGCTCCCATGGGTGGTGGTGGGGCTGTAGGCTG[G>C]TGTGCGCCTGTGGGGGCGTTCCTACCACCGCTGCCCATGGGGGCCTGCCTTTCTCTGATT-3'
Protein context (NP_127497.1, residues 236-256): AVVGTPPQAH[Thr246Ser]SLQPHHHPWE